The following is an entry in ClinVar:

NM_001080453.3(INTS1):c.954C>T (p.Tyr318=)

Gene: INTS1 (integrator complex subunit 1; minus strand). Cytogenetic location: 7p22.3.
Variant type: single nucleotide variant.
Coding change: c.954C>T on transcript NM_001080453.3 (MANE Select); coding-DNA position 954, C replaced by T.
Protein change: p.Tyr318=; no amino-acid change (tyrosine 318 retained).
Molecular consequence: synonymous variant.
Genome position (GRCh38, 1-based): chr7:1,499,158, G>A on the plus strand (C>T on the coding strand, the complement: INTS1 is on the minus strand). VCF-style: chr7-1499158-G-A. GRCh37 (hg19) VCF-style: chr7-1538794-G-A.
Identifiers: ClinVar variation 2499033 (VCV002499033.28), dbSNP rs369100711, ClinGen allele CA4120527.

ClinVar aggregate classification (germline): Likely benign (1 of 4 stars; one submission).

Allele frequency attached by ClinVar (database versions not stated): gnomAD 0.00001; ExAC 0.00003; TOPMed 0.00003; ESP Exome Variant Server 0.00008.
gnomAD v4.1: 52 of 1,608,630 alleles (0.0032%); highest among the groups gnomAD compares: Admixed American, 0.022%; no homozygotes.

Submission:

CeGaT Center for Human Genetics Tuebingen
Classification: Likely benign. Last evaluated: 2023-02-01. Review status: criteria provided, single submitter. Criteria: CeGaT Center For Human Genetics Tuebingen Variant Classification Criteria Version 2. Collection method: clinical testing. Allele origin: germline. Affected: yes. Observed: 1 variant allele.
Comment: INTS1: BP4, BP7